The following is an entry in ClinVar:

GRCh38/hg38 15q11.2(chr15:22790626-23102647)x1

Genes: CYFIP1 (cytoplasmic FMR1 interacting protein 1; minus strand), NIPA1 (NIPA magnesium transporter 1; plus strand), NIPA2 (NIPA magnesium transporter 2; plus strand), TUBGCP5 (tubulin gamma complex component 5; minus strand), LOC112272575 (Sharpr-MPRA regulatory region 8478; plus strand) and 7 more. Cytogenetic location: 15q11.2.
Variant type: copy number loss.
Change: copy number 1 (one copy instead of two) of chr15:22,790,626-23,102,647 (312.0 kb, GRCh38 coordinates, 1-based), cytogenetic band 15q11.2.
Identifiers: ClinVar variation 153428 (VCV000153428.3).

ClinVar aggregate classification (germline): conflicting data from submitters (0 of 4 stars; one submission).

Submission:

ISCA site 1
Classification: conflicting data from submitters. Last evaluated: 2015-08-12. Review status: no assertion criteria provided. Collection method: clinical testing. Allele origin: maternal, unknown, paternal. Affected: yes. Observed: 12 variant alleles. Clinical features observed: Intellectual disability (HP:0001249), Global developmental delay (HP:0001263), Delayed speech and language development (HP:0000750), Talipes equinovarus (HP:0001762), Delayed gross motor development (HP:0002194), Delayed fine motor development (HP:0010862), Developmental delay AND/OR other significant developmental or morphological phenotypes, Seizures (HP:0001250), obsolete Malformation of the heart and great vessels (HP:0002564), Macrocephaly (HP:0000256), Failure to thrive (HP:0001508), Short stature (HP:0004322), and 5 more.
Comment: Uncertain significance(11), Likely benign (1)

Copy number variation identified through the course of routine clinical cytogenomic testing in postnatal populations, with clinical assertions as classified by the original submitter. For data from the original published study, Kaminsky, et al. 2011 (PubMed 21844811), please see nstd101.